The following is an entry in ClinVar:

NM_031220.4(PITPNM3):c.2678G>A (p.Arg893His)

Gene: PITPNM3 (PITPNM family member 3; minus strand). Cytogenetic location: 17p13.2.
Variant type: single nucleotide variant.
Coding change: c.2678G>A on transcript NM_031220.4 (MANE Select); coding-DNA position 2678, G replaced by A.
Protein change: p.Arg893His; replaces arginine 893 with histidine.
Molecular consequence: missense variant.
Genome position (GRCh38, 1-based): chr17:6,455,585, C>T on the plus strand (G>A on the coding strand, the complement: PITPNM3 is on the minus strand). VCF-style: chr17-6455585-C-T. GRCh37 (hg19) VCF-style: chr17-6358905-C-T.
Other names: c.2570G>A, p.Arg857His (NM_001165966.2); short protein forms R857H, R893H.
Identifiers: ClinVar variation 1004571 (VCV001004571.9), dbSNP rs1238435519, ClinGen allele CA397401188.

ClinVar aggregate classification (germline): Uncertain significance. Review status: criteria provided, multiple submitters, no conflicts (2 of 4 stars). 2 submissions from 2 submitters: Uncertain significance (2). Last evaluated 2025-11-23.

Allele frequency attached by ClinVar (database versions not stated): gnomAD 0.00001; gnomAD exomes 0.00001 and 0.00003; TOPMed 0.00002.
gnomAD v4.1: 48 of 1,587,924 alleles (0.003%); highest among the groups gnomAD compares: Non-Finnish European, 0.0039%; no homozygotes.

Submissions (2):

Labcorp Genetics (formerly Invitae), Labcorp
Classification: Uncertain significance. Last evaluated: 2025-11-23. Review status: criteria provided, single submitter. Criteria: Invitae Variant Classification Sherloc (09022015). Collection method: clinical testing. Allele origin: germline.
Comment: This sequence change replaces arginine, which is basic and polar, with histidine, which is basic and polar, at codon 893 of the PITPNM3 protein (p.Arg893His). The frequency data for this variant in the population databases is considered unreliable, as metrics indicate poor data quality at this position in the gnomAD database. This variant has not been reported in the literature in individuals affected with PITPNM3-related conditions. ClinVar contains an entry for this variant (Variation ID: 1004571). Invitae Evidence Modeling of protein sequence and biophysical properties (such as structural, functional, and spatial information, amino acid conservation, physicochemical variation, residue mobility, and thermodynamic stability) indicates that this missense variant is not expected to disrupt PITPNM3 protein function with a negative predictive value of 80%. In summary, the available evidence is currently insufficient to determine the role of this variant in disease. Therefore, it has been classified as a Variant of Uncertain Significance.

Blueprint Genetics
Classification: Uncertain significance. Last evaluated: 2019-04-16. Review status: criteria provided, single submitter. Criteria: ACMG Guidelines, 2015. Collection method: clinical testing. Allele origin: germline.